The following is an entry in ClinVar:

NM_001159699.2(FHL1):c.379+4C>T

Gene: FHL1 (four and a half LIM domains 1; plus strand). Cytogenetic location: Xq26.3.
Variant type: single nucleotide variant.
Coding change: c.379+4C>T on transcript NM_001159699.2 (MANE Select); 4 bases into the intron after coding-DNA position 379, C replaced by T.
Molecular consequence: intron variant.
Genome position (GRCh38, 1-based): chrX:136,207,194, C>T. VCF-style: chrX-136207194-C-T. GRCh37 (hg19) VCF-style: chrX-135289353-C-T.
Other names: c.331+4C>T (NM_001159702.3, NM_001449.5, NM_001159703.2 and 9 more transcripts); c.418+4C>T (NM_001159701.2); c.379+4C>T (NM_001330659.2).
Identifiers: ClinVar variation 851897 (VCV000851897.9), dbSNP rs769453769, ClinGen allele CA10524989.

ClinVar aggregate classification (germline): Uncertain significance. Review status: criteria provided, multiple submitters, no conflicts (2 of 4 stars). 2 submissions from 2 submitters: Uncertain significance (2). Last evaluated 2025-05-28.

Conditions:
X-linked myopathy with postural muscle atrophy. Also called: FHL1-Related Emery-Dreifuss Muscular Dystrophy, X-Linked. Identifiers: Orphanet 178461, MedGen C2678055, MONDO:0010401, OMIM 300696.
Cardiovascular phenotype. Identifiers: MedGen CN230736.

Allele frequency attached by ClinVar (database versions not stated): gnomAD exomes below 0.00001; ExAC 0.00001; TOPMed 0.00002; gnomAD 0.00003.
gnomAD v4.1: 9 of 1,194,282 alleles (0.00075%); highest among the groups gnomAD compares: Non-Finnish European, 0.0009%; no homozygotes.

Submissions (2):

Ambry Genetics
Classification: Uncertain significance for Cardiovascular phenotype. Last evaluated: 2025-05-28. Review status: criteria provided, single submitter. Criteria: Ambry Variant Classification Scheme 2023. Collection method: clinical testing. Allele origin: germline.
Comment: The c.331+4C>T intronic variant results from a C to T substitution 4 nucleotides after coding exon 2 in the FHL1 gene. This nucleotide position is well conserved in available vertebrate species. In silico splice site analysis predicts that this alteration will not have any significant effect on splicing. Since supporting evidence is limited at this time, the clinical significance of this alteration remains unclear.

Labcorp Genetics (formerly Invitae), Labcorp
Classification: Uncertain significance for X-linked myopathy with postural muscle atrophy. Last evaluated: 2022-03-11. Review status: criteria provided, single submitter. Criteria: Invitae Variant Classification Sherloc (09022015). Collection method: clinical testing. Allele origin: germline.
Comment: This sequence change falls in intron 4 of the FHL1 gene. It does not directly change the encoded amino acid sequence of the FHL1 protein. It affects a nucleotide within the consensus splice site. This variant is not present in population databases (gnomAD no frequency). This variant has been observed in individual(s) with clinical features of FHL1-related conditions (PMID: 21520333). ClinVar contains an entry for this variant (Variation ID: 851897). Variants that disrupt the consensus splice site are a relatively common cause of aberrant splicing (PMID: 17576681, 9536098). Algorithms developed to predict the effect of sequence changes on RNA splicing suggest that this variant is not likely to affect RNA splicing. In summary, the available evidence is currently insufficient to determine the role of this variant in disease. Therefore, it has been classified as a Variant of Uncertain Significance.

Literature cited by the submitters: PubMed 21520333 (cited by Labcorp Genetics (formerly Invitae), Labcorp); PubMed 17576681 (cited by Labcorp Genetics (formerly Invitae), Labcorp); PubMed 9536098 (cited by Labcorp Genetics (formerly Invitae), Labcorp).